The following is an entry in ClinVar:

NM_001042492.3(NF1):c.6718dup (p.Tyr2240fs)

Gene: NF1 (neurofibromin 1; plus strand). Cytogenetic location: 17q11.2.
Variant type: Duplication.
Coding change: c.6718dup on transcript NM_001042492.3 (MANE Select); coding-DNA position 6718, one base duplicated (T; older notation c.6718dupT).
Protein change: p.Tyr2240fs; shifts the reading frame from tyrosine 2240.
Molecular consequence: frameshift variant.
Genome position (GRCh38, 1-based): chr17:31,338,038, T duplicated. VCF-style (leftmost placement, unchanged base first): chr17-31338037-A-AT. GRCh37 (hg19) VCF-style: chr17-29665055-A-AT.
Other names: c.6655dup, p.Tyr2219Leufs (NM_000267.4); short protein forms Y2219fs, Y2240fs.
Identifiers: ClinVar variation 3653021 (VCV003653021.2).

ClinVar aggregate classification (germline): Pathogenic (1 of 4 stars; one submission).

Conditions:
Neurofibromatosis, type 1 (NF1). Also called: Peripheral type neurofibromatosis; VON RECKLINGHAUSEN DISEASE; NEUROFIBROMATOSIS, TYPE I, SOMATIC; Neurofibromatosis, type I. Identifiers: Orphanet 636, MedGen C0027831, MONDO:0018975, OMIM 162200. Disease mechanism: loss of function.

Submission:

Labcorp Genetics (formerly Invitae), Labcorp
Classification: Pathogenic for Neurofibromatosis, type 1. Last evaluated: 2024-05-11. Review status: criteria provided, single submitter. Criteria: Invitae Variant Classification Sherloc (09022015). Collection method: clinical testing. Allele origin: germline.
Comment: This sequence change creates a premature translational stop signal (p.Tyr2219Leufs*2) in the NF1 gene. It is expected to result in an absent or disrupted protein product. Loss-of-function variants in NF1 are known to be pathogenic (PMID: 10712197, 23913538). This variant is not present in population databases (gnomAD no frequency). This variant has not been reported in the literature in individuals affected with NF1-related conditions. For these reasons, this variant has been classified as Pathogenic.

Literature cited by the submitters: PubMed 10712197; PubMed 23913538.